The following is an entry in ClinVar:

ClinVar aggregate classification (germline): Uncertain significance (1 of 4 stars; one submission).

Submission:

Labcorp Genetics (formerly Invitae), Labcorp
Classification: Uncertain significance. Last evaluated: 2024-10-05. Review status: criteria provided, single submitter. Criteria: Invitae Variant Classification Sherloc (09022015). Collection method: clinical testing. Allele origin: germline.
Comment: This sequence change replaces phenylalanine, which is neutral and non-polar, with leucine, which is neutral and non-polar, at codon 404 of the COL9A3 protein (p.Phe404Leu). This variant is not present in population databases (gnomAD no frequency). This variant has not been reported in the literature in individuals affected with COL9A3-related conditions. Invitae Evidence Modeling of protein sequence and biophysical properties (such as structural, functional, and spatial information, amino acid conservation, physicochemical variation, residue mobility, and thermodynamic stability) indicates that this missense variant is not expected to disrupt COL9A3 protein function with a negative predictive value of 95%. In summary, the available evidence is currently insufficient to determine the role of this variant in disease. Therefore, it has been classified as a Variant of Uncertain Significance.

NM_001853.4(COL9A3):c.1212C>A (p.Phe404Leu)

Gene: COL9A3 (collagen type IX alpha 3 chain; plus strand). Cytogenetic location: 20q13.33.
Variant type: single nucleotide variant.
Coding change: c.1212C>A on transcript NM_001853.4 (MANE Select); coding-DNA position 1212, C replaced by A.
Protein change: p.Phe404Leu; replaces phenylalanine 404 with leucine.
Molecular consequence: missense variant.
Genome position (GRCh38, 1-based): chr20:62,830,410, C>A. VCF-style: chr20-62830410-C-A. GRCh37 (hg19) VCF-style: chr20-61461762-C-A.
Other names: short protein forms F404L.
Identifiers: ClinVar variation 3637722 (VCV003637722.2).